The following is an entry in ClinVar:

NM_000492.4(CFTR):c.3389G>C (p.Gly1130Ala)

Genes: CFTR (CF transmembrane conductance regulator; plus strand), CFTR-AS2 (CFTR antisense RNA 2; minus strand). Cytogenetic location: 7q31.2.
Variant type: single nucleotide variant.
Coding change: c.3389G>C on transcript NM_000492.4 (MANE Select); coding-DNA position 3389, G replaced by C.
Protein change: p.Gly1130Ala; replaces glycine 1130 with alanine.
Molecular consequence: missense variant.
Genome position (GRCh38, 1-based): chr7:117,614,634, G>C. VCF-style: chr7-117614634-G-C. GRCh37 (hg19) VCF-style: chr7-117254688-G-C.
Other names: short protein forms G1130A.
Identifiers: ClinVar variation 53730 (VCV000053730.16), dbSNP rs397508550, ClinGen allele CA327164.

ClinVar aggregate classification (germline): Uncertain significance. Review status: criteria provided, multiple submitters, no conflicts (2 of 4 stars). 6 submissions from 6 submitters: Uncertain significance (5). 1 of the submissions does not count toward it. Last evaluated 2026-06-01.

Conditions:
Cystic fibrosis (CF). Also called: MUCOVISCIDOSIS. Identifiers: Orphanet 586, MedGen C0010674, MONDO:0009061, OMIM 219700. Disease mechanism: loss of function.
Bronchiectasis with or without elevated sweat chloride 1 (BESC1). Also called: Cystic Fibrosis-Like Syndrome. Identifiers: Orphanet 60033, MedGen C2749757, MONDO:0008887, OMIM 211400.
Hereditary pancreatitis (PCTT). Also called: Hereditary chronic pancreatitis; PRSS1-Related Hereditary Pancreatitis. Identifiers: Orphanet 676, MedGen C0238339, MONDO:0008185, OMIM 167800.
Congenital bilateral aplasia of vas deferens from CFTR mutation (CBAVD). Identifiers: Orphanet 48, MedGen C0403814, MONDO:0010178, OMIM 277180. Disease mechanism: loss of function.

Allele frequency attached by ClinVar (database versions not stated): ExAC 0.00006; TOPMed 0.00001.
gnomAD v4.1: 57 of 1,611,056 alleles (0.0035%); highest among the groups gnomAD compares: Non-Finnish European, 0.0047%; no homozygotes.

Submissions (6):

Women's Health and Genetics/Laboratory Corporation of America, LabCorp
Classification: Uncertain significance. Last evaluated: 2026-06-01. Review status: criteria provided, single submitter. Criteria: LabCorp Variant Classification Summary - May 2015. Collection method: clinical testing. Allele origin: germline.
Comment: Variant summary: CFTR c.3389G>C (p.Gly1130Ala) results in a non-conservative amino acid change located in the ABC transporter type 1, transmembrane domain (IPR011527) of the encoded protein sequence. Algorithms developed to predict the effect of missense changes on protein structure and function are either unavailable or do not agree on the potential impact of this missense change. The variant allele was found at a frequency of 3.1e-05 in 292134 control chromosomes. The available data on variant occurrences in the general population are insufficient to allow any conclusion about variant significance. c.3389G>C has been reported in the literature in individuals affected with Congenital bilateral absense of the vas deferens (CBAVD) or infertility (Dayangac_2004, Havasi_2010, Ocak_2014, Chamayou_2020) and in an individual with intermediate sweat chloride levels but no diagnosis of Cystic fibrosis (Terlizzi_2019). These data do not allow any conclusion about variant significance. To our knowledge, no experimental evidence demonstrating an impact on protein function has been reported. The following publications have been ascertained in the context of this evaluation (PMID: 15070876, 16126774, 20100616, 25536748, 31005549, 32357917, 34140271, 39855646). ClinVar contains an entry for this variant (Variation ID: 53730). Based on the evidence outlined above, the variant was classified as uncertain significance.

Labcorp Genetics (formerly Invitae), Labcorp
Classification: Uncertain significance for Cystic fibrosis. Last evaluated: 2025-11-05. Review status: criteria provided, single submitter. Criteria: Invitae Variant Classification Sherloc (09022015). Collection method: clinical testing. Allele origin: germline.
Comment: This sequence change replaces glycine, which is neutral and non-polar, with alanine, which is neutral and non-polar, at codon 1130 of the CFTR protein (p.Gly1130Ala). This variant is present in population databases (rs397508550, gnomAD 0.006%). This missense change has been observed in individual(s) with CFTR-related conditions and/or congenital absence of vas deferens (PMID: 15070876, 31005549, 32357917, 34140271). ClinVar contains an entry for this variant (Variation ID: 53730). Invitae Evidence Modeling of protein sequence and biophysical properties (such as structural, functional, and spatial information, amino acid conservation, physicochemical variation, residue mobility, and thermodynamic stability) indicates that this missense variant is not expected to disrupt CFTR protein function with a negative predictive value of 80%. In summary, the available evidence is currently insufficient to determine the role of this variant in disease. Therefore, it has been classified as a Variant of Uncertain Significance.

Ambry Genetics
Classification: Uncertain significance for Cystic fibrosis. Last evaluated: 2023-11-21. Review status: criteria provided, single submitter. Criteria: Ambry Variant Classification Scheme 2023. Collection method: clinical testing. Allele origin: germline.
Comment: The p.G1130A variant (also known as c.3389G>C), located in coding exon 21 of the CFTR gene, results from a G to C substitution at nucleotide position 3389. The glycine at codon 1130 is replaced by alanine, an amino acid with similar properties. This alteration has been described in patients with congenital bilateral absence of the vas deferens (CBAVD) in conjunction with other pathogenic mutation in CFTR; however, phase of the alterations was not specified (Dayanga&ccedil; D et al. Hum Reprod, 2004 May;19:1094-100; Ocak Z et al. Turk J Med Sci, 2014;44:347-51). This alteration has also been reported in infertility cohorts (Morea A et al. Mol Hum Reprod, 2005 Aug;11:607-14; Chamayou S et al. BMC Med Genet, 2020 05;21:89), and in conjunction with a with pathogenic mutation in CFTR in an individual with no clinical diagnosis of cystic fibrosis and intermediate sweat chloride levels (Terlizzi V et al. J Cyst Fibros, 2019 07;18:484-490). This amino acid position is highly conserved in available vertebrate species. In addition, this alteration is predicted to be deleterious by in silico analysis. Based on available evidence to date, this variant is unlikely to be causative of classic cystic fibrosis; however, its contribution to the development of a CFTR-related disorder is uncertain. This alteration is thus classified as a variant of unknown significance.

Fulgent Genetics
Classification: Uncertain significance for Hereditary pancreatitis; Bronchiectasis with or without elevated sweat chloride 1; Cystic fibrosis; Congenital bilateral aplasia of vas deferens from CFTR mutation. Last evaluated: 2022-02-22. Review status: criteria provided, single submitter. Criteria: ACMG Guidelines, 2015. Collection method: clinical testing. Allele origin: unknown.

Mayo Clinic Laboratories, Mayo Clinic
Classification: Uncertain significance. Last evaluated: 2019-10-29. Review status: criteria provided, single submitter. Criteria: ACMG Guidelines, 2015. Collection method: clinical testing. Allele origin: germline. Observed: 1 variant allele.

ClinVar Staff, National Center for Biotechnology Information (NCBI)
No classification provided. Condition: CFTR-related disorders. Review status: no classification provided. Collection method: literature only. Allele origin: germline. Affected: yes. Not counted in ClinVar's aggregate classification.

Literature cited by the submitters: PubMed 15070876 (cited by 4 submitters); PubMed 16126774 (cited by Women's Health and Genetics/Laboratory Corporation of America, LabCorp and Ambry Genetics); PubMed 20100616 (cited by Women's Health and Genetics/Laboratory Corporation of America, LabCorp); PubMed 25536748 (cited by Women's Health and Genetics/Laboratory Corporation of America, LabCorp and Ambry Genetics); PubMed 31005549 (cited by 3 submitters); PubMed 32357917 (cited by 3 submitters); PubMed 34140271 (cited by Women's Health and Genetics/Laboratory Corporation of America, LabCorp and Labcorp Genetics (formerly Invitae), Labcorp); PubMed 39855646 (cited by Women's Health and Genetics/Laboratory Corporation of America, LabCorp); PubMed 32150665 (cited by Ambry Genetics).